The following is an entry in ClinVar:

ClinVar aggregate classification (germline): Conflicting classifications of pathogenicity. Review status: criteria provided, conflicting classifications (1 of 4 stars). 4 submissions from 4 submitters: Uncertain significance (3); Likely benign (1). Last evaluated 2025-05-26.

Allele frequency attached by ClinVar (database versions not stated): ExAC 0.00001; gnomAD 0.00002; gnomAD exomes 0.00002 and 0.00007; TOPMed 0.00003.
gnomAD v4.1: 99 of 1,581,146 alleles (0.0063%); highest among the groups gnomAD compares: Non-Finnish European, 0.0083%; no homozygotes.

Submissions (4):

Quest Diagnostics Nichols Institute San Juan Capistrano
Classification: Uncertain significance. Last evaluated: 2025-05-26. Review status: criteria provided, single submitter. Criteria: Quest Diagnostics criteria. Collection method: clinical testing. Allele origin: unknown.
Comment: The RECQL c.1679G>A (p.Ser560Asn) variant has been reported in the published literature in individuals with breast cancer, ovarian cancer and reportedly unaffected individuals in case-control studies (PMID: 32546565 (2021), 33471991 (2021), see also LOVD). The frequency of this variant in the general population (Genome Aggregation Database) is uninformative in the assessment of its pathogenicity. Analysis of this variant using bioinformatics tools for the prediction of the effect of amino acid changes on protein structure and function yielded predictions that this variant is damaging. Based on the available information, we are unable to determine the clinical significance of this variant.

Labcorp Genetics (formerly Invitae), Labcorp
Classification: Uncertain significance. Last evaluated: 2024-12-10. Review status: criteria provided, single submitter. Criteria: Invitae Variant Classification Sherloc (09022015). Collection method: clinical testing. Allele origin: germline.
Comment: This sequence change replaces serine, which is neutral and polar, with asparagine, which is neutral and polar, at codon 560 of the RECQL protein (p.Ser560Asn). This variant is present in population databases (rs763502240, gnomAD 0.004%). This variant has not been reported in the literature in individuals affected with RECQL-related conditions. ClinVar contains an entry for this variant (Variation ID: 1002908). An algorithm developed to predict the effect of missense changes on protein structure and function (PolyPhen-2) suggests that this variant is likely to be disruptive. In summary, the available evidence is currently insufficient to determine the role of this variant in disease. Therefore, it has been classified as a Variant of Uncertain Significance.

GeneDx
Classification: Uncertain significance. Last evaluated: 2024-04-05. Review status: criteria provided, single submitter. Criteria: GeneDx Variant Classification Process June 2021. Collection method: clinical testing. Allele origin: germline. Affected: yes.
Comment: Not observed at significant frequency in large population cohorts (gnomAD); In silico analysis supports that this missense variant does not alter protein structure/function; Has not been previously published as pathogenic or benign to our knowledge; Variants in candidate genes are classified as variants of uncertain significance in accordance with ACMG guidelines (PMID: 25741868); This variant is associated with the following publications: (PMID: 19151156, 27248010, 23396353)

Ambry Genetics
Classification: Likely benign. Last evaluated: 2020-07-02. Review status: criteria provided, single submitter. Criteria: Ambry Variant Classification Scheme 2023. Collection method: clinical testing. Allele origin: germline.

Literature cited by the submitters: PubMed 33471991 (cited by Quest Diagnostics Nichols Institute San Juan Capistrano); PubMed 32546565 (cited by Quest Diagnostics Nichols Institute San Juan Capistrano).

NM_002907.4(RECQL):c.1679G>A (p.Ser560Asn)

Genes: PYROXD1 (pyridine nucleotide-disulphide oxidoreductase domain 1; plus strand), RECQL (RecQ like helicase; minus strand). Cytogenetic location: 12p12.1.
Variant type: single nucleotide variant.
Coding change: c.1679G>A on transcript NM_002907.4 (MANE Select); coding-DNA position 1679, G replaced by A.
Protein change: p.Ser560Asn; replaces serine 560 with asparagine.
Molecular consequence: missense variant. On other transcripts: 3 prime UTR variant (3).
Genome position (GRCh38, 1-based): chr12:21,471,087, C>T on the plus strand (G>A on the coding strand, the complement: RECQL is on the minus strand). VCF-style: chr12-21471087-C-T. GRCh37 (hg19) VCF-style: chr12-21624021-C-T.
Other names: c.1679G>A, p.Ser560Asn (NM_032941.3); c.*2333C>T (NM_001350912.2, NM_001350913.2, NM_024854.5); short protein forms S560N.
Identifiers: ClinVar variation 1002908 (VCV001002908.13), dbSNP rs763502240, ClinGen allele CA6478674.
Genomic context (GRCh38, chr12:21,471,087, plus strand): 5'-TTCAGAAGATTAGCTTTAGGTCCTATTTTCAAATACGAAATGGTAGCATAAGCTGTAAAA[C>T]TGTAGTCTTCTCTGCAGAAAATAAAGGCCAACAATAAGAAAGCTTTTGAAGGAATCACGG-3'
Protein context (NP_002898.2, residues 550-570): LIQQYLKEDY[Ser560Asn]FTAYATISYL